The following is an entry in ClinVar:

NM_018972.4(GDAP1):c.60C>A (p.Ala20=)

Genes: GDAP1 (ganglioside induced differentiation associated protein 1; plus strand), LOC130000622 (ATAC-STARR-seq lymphoblastoid active region 27542; plus strand). Cytogenetic location: 8q21.11.
Variant type: single nucleotide variant.
Coding change: c.60C>A on transcript NM_018972.4 (MANE Select); coding-DNA position 60, C replaced by A.
Protein change: p.Ala20=; no amino-acid change (alanine 20 retained).
Molecular consequence: synonymous variant. On other transcripts: 5 prime UTR variant (2), intron variant (1).
Genome position (GRCh38, 1-based): chr8:74,350,521, C>A. VCF-style: chr8-74350521-C-A. GRCh37 (hg19) VCF-style: chr8-75262756-C-A.
Other names: c.-123C>A (NM_001362929.2); c.60C>A, p.Ala20= (NM_001362930.2, NM_001362931.2); c.-75C>A (NM_001362932.2); c.-64+49C>A (NM_001040875.4).
Identifiers: ClinVar variation 4994436 (VCV004994436.1).

ClinVar aggregate classification (germline): Likely benign (1 of 4 stars; one submission).

Conditions:
GDAP1-related disorder. Also called: GDAP1-related condition; GDAP1-related disorders.

gnomAD v4.1: 2 of 1,613,766 alleles (0.00012%); highest among the groups gnomAD compares: Non-Finnish European, 0.00017%; no homozygotes.

Submission:

PreventionGenetics, part of Exact Sciences
Classification: Likely benign for GDAP1-related condition. Last evaluated: 2025-09-09. Review status: criteria provided, single submitter. Criteria: ACMG Guidelines, 2015. Collection method: clinical testing. Allele origin: germline.
Comment: This variant is classified as likely benign based on ACMG/AMP sequence variant interpretation guidelines (Richards et al. 2015 PMID: 25741868, with internal and published modifications).